The following is an entry in ClinVar:

ClinVar aggregate classification (germline): Uncertain significance (1 of 4 stars; one submission).

Conditions:
Familial thoracic aortic aneurysm and aortic dissection (TAAD). Also called: Thoracic aortic aneurysms and dissections. Identifiers: Orphanet 91387, MedGen C4707243, MONDO:0019625.

Submission:

Ambry Genetics
Classification: Uncertain significance for Familial thoracic aortic aneurysm and aortic dissection. Last evaluated: 2020-09-23. Review status: criteria provided, single submitter. Criteria: Ambry Variant Classification Scheme 2023. Collection method: clinical testing. Allele origin: germline.
Comment: The p.P18S variant (also known as c.52C>T), located in coding exon 1 of the COL3A1 gene, results from a C to T substitution at nucleotide position 52. The proline at codon 18 is replaced by serine, an amino acid with similar properties. This amino acid position is well conserved in available vertebrate species; however, serine is the reference amino acid in other vertebrate species. In addition, this alteration is predicted to be tolerated by in silico analysis. Since supporting evidence is limited at this time, the clinical significance of this alteration remains unclear.

NM_000090.4(COL3A1):c.52C>T (p.Pro18Ser)

Gene: COL3A1 (collagen type III alpha 1 chain; plus strand). Cytogenetic location: 2q32.2.
Variant type: single nucleotide variant.
Coding change: c.52C>T on transcript NM_000090.4 (MANE Select); coding-DNA position 52, C replaced by T.
Protein change: p.Pro18Ser; replaces proline 18 with serine.
Molecular consequence: missense variant.
Genome position (GRCh38, 1-based): chr2:188,974,541, C>T. VCF-style: chr2-188974541-C-T. GRCh37 (hg19) VCF-style: chr2-189839267-C-T.
Other names: short protein forms P18S.
Identifiers: ClinVar variation 263853 (VCV000263853.5), dbSNP rs886038951, ClinGen allele CA10587522.